The following is an entry in ClinVar:

NM_024408.4(NOTCH2):c.6413A>G (p.Lys2138Arg)

Gene: NOTCH2 (notch receptor 2; minus strand). Cytogenetic location: 1p12.
Variant type: single nucleotide variant.
Coding change: c.6413A>G on transcript NM_024408.4 (MANE Select); coding-DNA position 6413, A replaced by G.
Protein change: p.Lys2138Arg; replaces lysine 2138 with arginine.
Molecular consequence: missense variant.
Genome position (GRCh38, 1-based): chr1:119,916,309, T>C on the plus strand (A>G on the coding strand, the complement: NOTCH2 is on the minus strand). VCF-style: chr1-119916309-T-C. GRCh37 (hg19) VCF-style: chr1-120458932-T-C.
Other names: short protein forms K2138R.
Identifiers: ClinVar variation 3682003 (VCV003682003.2).

ClinVar aggregate classification (germline): Uncertain significance (1 of 4 stars; one submission).

Conditions:
Hajdu-Cheney syndrome (HJCYS). Also called: Acroosteolysis dominant type; SERPENTINE FIBULA-POLYCYSTIC KIDNEY SYNDROME; ACROOSTEOLYSIS WITH OSTEOPOROSIS AND CHANGES IN SKULL AND MANDIBLE. Identifiers: Orphanet 955, MedGen C0917715, MONDO:0007057, OMIM 102500.

gnomAD v4.1: 1 of 1,614,210 alleles (0.000062%); no homozygotes.

Submission:

Labcorp Genetics (formerly Invitae), Labcorp
Classification: Uncertain significance for Hajdu-Cheney syndrome. Last evaluated: 2024-02-10. Review status: criteria provided, single submitter. Criteria: Invitae Variant Classification Sherloc (09022015). Collection method: clinical testing. Allele origin: germline.
Comment: This sequence change replaces lysine, which is basic and polar, with arginine, which is basic and polar, at codon 2138 of the NOTCH2 protein (p.Lys2138Arg). This variant is present in population databases (rs746533637, gnomAD 0.01%). This variant has not been reported in the literature in individuals affected with NOTCH2-related conditions. Advanced modeling of protein sequence and biophysical properties (such as structural, functional, and spatial information, amino acid conservation, physicochemical variation, residue mobility, and thermodynamic stability) performed at Invitae indicates that this missense variant is not expected to disrupt NOTCH2 protein function with a negative predictive value of 80%. In summary, the available evidence is currently insufficient to determine the role of this variant in disease. Therefore, it has been classified as a Variant of Uncertain Significance.